The following is an entry in ClinVar:

ClinVar aggregate classification (germline): Uncertain significance (1 of 4 stars; one submission).

gnomAD v4.1: 7 of 1,614,240 alleles (0.00043%); highest among the groups gnomAD compares: Non-Finnish European, 0.00059%; no homozygotes.

Submission:

GeneDx
Classification: Uncertain significance. Last evaluated: 2023-07-05. Review status: criteria provided, single submitter. Criteria: GeneDx Variant Classification Process June 2021. Collection method: clinical testing. Allele origin: germline. Affected: yes.
Comment: Not observed at significant frequency in large population cohorts (gnomAD); In silico analysis supports that this missense variant has a deleterious effect on protein structure/function; Has not been previously published as pathogenic or benign to our knowledge

NM_022437.3(ABCG8):c.344T>C (p.Leu115Pro)

Gene: ABCG8 (ATP binding cassette subfamily G member 8; plus strand). Cytogenetic location: 2p21.
Variant type: single nucleotide variant.
Coding change: c.344T>C on transcript NM_022437.3 (MANE Select); coding-DNA position 344, T replaced by C.
Protein change: p.Leu115Pro; replaces leucine 115 with proline.
Molecular consequence: missense variant.
Genome position (GRCh38, 1-based): chr2:43,851,605, T>C. VCF-style: chr2-43851605-T-C. GRCh37 (hg19) VCF-style: chr2-44078744-T-C.
Other names: c.344T>C, p.Leu115Pro (NM_001357321.2); short protein forms L115P.
Identifiers: ClinVar variation 3360829 (VCV003360829.1).